The following is an entry in ClinVar:

ClinVar aggregate classification (germline): Likely benign. Review status: criteria provided, multiple submitters, no conflicts (2 of 4 stars). 4 submissions from 4 submitters: Likely benign (3). 1 of the submissions does not count toward it. Last evaluated 2025-11-11.

Conditions:
RAI1-related disorder. Also called: RAI1-related condition.

Allele frequency attached by ClinVar (database versions not stated): TOPMed 0.00005; gnomAD 0.00006 and 0.00007; gnomAD exomes 0.00007 and 0.00009; ExAC 0.00008.
gnomAD v4.1: 119 of 1,613,170 alleles (0.0074%); highest among the groups gnomAD compares: East Asian, 0.069%; no homozygotes.

Submissions (4):

Labcorp Genetics (formerly Invitae), Labcorp
Classification: Likely benign. Last evaluated: 2025-11-11. Review status: criteria provided, single submitter. Criteria: Invitae Variant Classification Sherloc (09022015). Collection method: clinical testing. Allele origin: germline.

Laboratory of Genetics, Children's Clinical University Hospital Latvia
Classification: Likely benign. Last evaluated: 2025-02-16. Review status: criteria provided, single submitter. Criteria: ACMG Guidelines, 2015. Collection method: clinical testing. Allele origin: germline. Affected: yes.

Genetic Services Laboratory, University of Chicago
Classification: Likely benign. Last evaluated: 2017-01-03. Review status: criteria provided, single submitter. Criteria: ACMG Guidelines, 2015. Collection method: clinical testing. Allele origin: germline. Affected: no.

PreventionGenetics, part of Exact Sciences
Classification: Likely benign for RAI1-related condition. Last evaluated: 2021-05-20. Review status: no assertion criteria provided. Collection method: clinical testing. Allele origin: germline. Not counted in ClinVar's aggregate classification.
Comment: This variant is classified as likely benign based on ACMG/AMP sequence variant interpretation guidelines (Richards et al. 2015 PMID: 25741868, with internal and published modifications).

NM_030665.4(RAI1):c.2669C>T (p.Pro890Leu)

Gene: RAI1 (retinoic acid induced 1; plus strand). Cytogenetic location: 17p11.2.
Variant type: single nucleotide variant.
Coding change: c.2669C>T on transcript NM_030665.4 (MANE Select); coding-DNA position 2669, C replaced by T.
Protein change: p.Pro890Leu; replaces proline 890 with leucine.
Molecular consequence: missense variant.
Genome position (GRCh38, 1-based): chr17:17,795,617, C>T. VCF-style: chr17-17795617-C-T. GRCh37 (hg19) VCF-style: chr17-17698931-C-T.
Other names: short protein forms P890L.
Identifiers: ClinVar variation 436496 (VCV000436496.16), dbSNP rs745320469, ClinGen allele CA8418577.